The following is an entry in ClinVar:

ClinVar aggregate classification (germline): Uncertain significance (1 of 4 stars; one submission).

gnomAD v4.1: 3 of 1,614,220 alleles (0.00019%); highest among the groups gnomAD compares: Non-Finnish European, 0.00025%; no homozygotes.

Submission:

Labcorp Genetics (formerly Invitae), Labcorp
Classification: Uncertain significance. Last evaluated: 2024-09-24. Review status: criteria provided, single submitter. Criteria: Invitae Variant Classification Sherloc (09022015). Collection method: clinical testing. Allele origin: germline.
Comment: This sequence change replaces methionine, which is neutral and non-polar, with arginine, which is basic and polar, at codon 375 of the LEMD3 protein (p.Met375Arg). This variant is not present in population databases (gnomAD no frequency). This variant has not been reported in the literature in individuals affected with LEMD3-related conditions. Invitae Evidence Modeling of protein sequence and biophysical properties (such as structural, functional, and spatial information, amino acid conservation, physicochemical variation, residue mobility, and thermodynamic stability) indicates that this missense variant is not expected to disrupt LEMD3 protein function with a negative predictive value of 80%. In summary, the available evidence is currently insufficient to determine the role of this variant in disease. Therefore, it has been classified as a Variant of Uncertain Significance.

NM_014319.5(LEMD3):c.1124T>G (p.Met375Arg)

Genes: LEMD3 (LEM domain containing 3; plus strand), LOC130008225 (ATAC-STARR-seq lymphoblastoid active region 6608; plus strand). Cytogenetic location: 12q14.3.
Variant type: single nucleotide variant.
Coding change: c.1124T>G on transcript NM_014319.5 (MANE Select); coding-DNA position 1124, T replaced by G.
Protein change: p.Met375Arg; replaces methionine 375 with arginine.
Molecular consequence: missense variant.
Genome position (GRCh38, 1-based): chr12:65,170,720, T>G. VCF-style: chr12-65170720-T-G. GRCh37 (hg19) VCF-style: chr12-65564500-T-G.
Other names: c.1124T>G, p.Met375Arg (NM_001167614.2); short protein forms M375R.
Identifiers: ClinVar variation 3698593 (VCV003698593.2).